The following is an entry in ClinVar:

ClinVar aggregate classification (germline): Pathogenic (1 of 4 stars; one submission).

Conditions:
Duchenne muscular dystrophy (DMD). Also called: Duchenne Muscular Dystrophy (DMD); MUSCULAR DYSTROPHY, PSEUDOHYPERTROPHIC PROGRESSIVE, DUCHENNE TYPE. Identifiers: Orphanet 98896, MedGen C0013264, MONDO:0010679, OMIM 310200.

Submission:

Labcorp Genetics (formerly Invitae), Labcorp
Classification: Pathogenic for Duchenne muscular dystrophy. Last evaluated: 2019-12-16. Review status: criteria provided, single submitter. Criteria: Invitae Variant Classification Sherloc (09022015). Collection method: clinical testing. Allele origin: germline.
Comment: This variant is an out-of-frame deletion of the genomic region encompassing exon 62 of the DMD gene. This is expected to create a premature translational stop signal and result in an absent or disrupted protein product. This variant has been observed in an individual affected with Duchenne muscular dystrophy (PMID: 19602481). Loss-of-function variants in DMD are known to be pathogenic (PMID: 16770791, 25007885). For these reasons, this variant has been classified as Pathogenic.

Literature cited by the submitters: PubMed 19602481.

NC_000023.11:g.(?_31323588)_(31323668_?)del

Gene: DMD (dystrophin; minus strand). Cytogenetic location: Xp21.2.
Variant type: Deletion.
Identifiers: ClinVar variation 832468 (VCV000832468.1).